The following is an entry in ClinVar:

NM_000057.4(BLM):c.610G>T (p.Val204Leu)

Gene: BLM (BLM RecQ like helicase; plus strand). Cytogenetic location: 15q26.1.
Variant type: single nucleotide variant.
Coding change: c.610G>T on transcript NM_000057.4 (MANE Select); coding-DNA position 610, G replaced by T.
Protein change: p.Val204Leu; replaces valine 204 with leucine.
Molecular consequence: missense variant. On other transcripts: 5 prime UTR variant (1).
Genome position (GRCh38, 1-based): chr15:90,749,878, G>T. VCF-style: chr15-90749878-G-T. GRCh37 (hg19) VCF-style: chr15-91293108-G-T.
Other names: c.610G>T, p.Val204Leu (NM_001287246.2, NM_001287247.2); c.-682G>T (NM_001287248.2); short protein forms V204L.
Identifiers: ClinVar variation 1751678 (VCV001751678.2), dbSNP rs1360806507, ClinGen allele CA393841166.

ClinVar aggregate classification (germline): Uncertain significance (1 of 4 stars; one submission).

Conditions:
Hereditary cancer-predisposing syndrome. Also called: Hereditary Cancer Syndrome; Hereditary neoplastic syndrome; Neoplastic Syndromes, Hereditary; Tumor predisposition. Identifiers: Orphanet 140162, MedGen C0027672, MeSH D009386, MONDO:0015356.

Submission:

Ambry Genetics
Classification: Uncertain significance for Hereditary cancer-predisposing syndrome. Last evaluated: 2022-03-31. Review status: criteria provided, single submitter. Criteria: Ambry Variant Classification Scheme 2023. Collection method: clinical testing. Allele origin: germline.
Comment: The p.V204L variant (also known as c.610G>T), located in coding exon 2 of the BLM gene, results from a G to T substitution at nucleotide position 610. The valine at codon 204 is replaced by leucine, an amino acid with highly similar properties. This amino acid position is conserved. In addition, this alteration is predicted to be tolerated by in silico analysis. Since supporting evidence is limited at this time, the clinical significance of this alteration remains unclear.